The following is an entry in ClinVar:

ClinVar aggregate classification (germline): Uncertain significance (1 of 4 stars; one submission).

Submission:

Labcorp Genetics (formerly Invitae), Labcorp
Classification: Uncertain significance. Last evaluated: 2025-11-18. Review status: criteria provided, single submitter. Criteria: Invitae Variant Classification Sherloc (09022015). Collection method: clinical testing. Allele origin: germline.
Comment: This sequence change replaces serine, which is neutral and polar, with leucine, which is neutral and non-polar, at codon 609 of the KLC2 protein (p.Ser609Leu). Information on the frequency of this variant in the gnomAD database is not available, as this variant may be reported differently in the database. This variant has not been reported in the literature in individuals affected with KLC2-related conditions. Experimental studies and prediction algorithms are not available or were not evaluated, and the functional significance of this variant is currently unknown. In summary, the available evidence is currently insufficient to determine the role of this variant in disease. Therefore, it has been classified as a Variant of Uncertain Significance.

NM_001318734.2(KLC2):c.1825_1826delinsCT (p.Ser609Leu)

Gene: KLC2 (kinesin light chain 2; plus strand). Cytogenetic location: 11q13.2.
Variant type: Indel.
Coding change: c.1825_1826delinsCT on transcript NM_001318734.2 (MANE Select); coding-DNA positions 1825 to 1826, TC replaced by CT.
Protein change: p.Ser609Leu; replaces serine 609 with leucine.
Molecular consequence: missense variant.
Genome position (GRCh38, 1-based): chr11:66,266,912-66,266,913, TC replaced by CT. VCF-style: chr11-66266912-TC-CT. GRCh37 (hg19) VCF-style: chr11-66034383-TC-CT.
Other names: c.1594_1595delinsCT, p.Ser532Leu (NM_001134774.2); c.1825_1826delinsCT, p.Ser609Leu (NM_001134775.2, NM_001134776.2, NM_022822.3); short protein forms S532L, S609L.
Identifiers: ClinVar variation 4759632 (VCV004759632.1).
Genomic context (GRCh38, chr11:66,266,912, plus strand): 5'-ACCTGCCCCCTCTGCCCACAGCCTGGAGGCACAGGTCTCTCTGACAGCCGCACTCTCAGC[TC>CT]CAGCTCCATGGACCTCTCCCGACGAAGCTCCCTGGTGGGCTAATGCTGAAGGGGCAGCCA-3'
Protein context (NP_001305663.1, residues 599-619): TGLSDSRTLS[Ser609Leu]SSMDLSRRSS